The following is an entry in ClinVar:

NM_015627.3(LDLRAP1):c.490G>A (p.Ala164Thr)

Gene: LDLRAP1 (low density lipoprotein receptor adaptor protein 1; plus strand). Cytogenetic location: 1p36.11.
Variant type: single nucleotide variant.
Coding change: c.490G>A on transcript NM_015627.3 (MANE Select); coding-DNA position 490, G replaced by A.
Protein change: p.Ala164Thr; replaces alanine 164 with threonine.
Molecular consequence: missense variant.
Genome position (GRCh38, 1-based): chr1:25,562,674, G>A. VCF-style: chr1-25562674-G-A. GRCh37 (hg19) VCF-style: chr1-25889165-G-A.
Other names: short protein forms A164T.
Identifiers: ClinVar variation 1744038 (VCV001744038.3), dbSNP rs927994472, ClinGen allele CA19644211.

ClinVar aggregate classification (germline): Uncertain significance (1 of 4 stars; one submission).

Conditions:
Cardiovascular phenotype. Identifiers: MedGen CN230736.

Allele frequency attached by ClinVar (database versions not stated): TOPMed below 0.00001.
gnomAD v4.1: 8 of 1,614,196 alleles (0.0005%); highest among the groups gnomAD compares: Non-Finnish European, 0.00068%; no homozygotes.

Submission:

Ambry Genetics
Classification: Uncertain significance for Cardiovascular phenotype. Last evaluated: 2024-10-07. Review status: criteria provided, single submitter. Criteria: Ambry Variant Classification Scheme 2023. Collection method: clinical testing. Allele origin: germline.
Comment: The p.A164T variant (also known as c.490G>A), located in coding exon 5 of the LDLRAP1 gene, results from a G to A substitution at nucleotide position 490. The alanine at codon 164 is replaced by threonine, an amino acid with similar properties. This amino acid position is conserved. In addition, this alteration is predicted to be deleterious by in silico analysis. Since supporting evidence is limited at this time, the clinical significance of this alteration remains unclear.